The following is an entry in ClinVar:

NM_006005.3(WFS1):c.1777G>C (p.Glu593Gln)

Gene: WFS1 (wolframin ER transmembrane glycoprotein; plus strand). Cytogenetic location: 4p16.1.
Variant type: single nucleotide variant.
Coding change: c.1777G>C on transcript NM_006005.3 (MANE Select); coding-DNA position 1777, G replaced by C.
Protein change: p.Glu593Gln; replaces glutamic acid 593 with glutamine.
Molecular consequence: missense variant.
Genome position (GRCh38, 1-based): chr4:6,301,572, G>C. VCF-style: chr4-6301572-G-C. GRCh37 (hg19) VCF-style: chr4-6303299-G-C.
Other names: c.1777G>C, p.Glu593Gln (NM_001145853.1); short protein forms E593Q.
Identifiers: ClinVar variation 4753864 (VCV004753864.4).

ClinVar aggregate classification (germline): Uncertain significance. Review status: criteria provided, multiple submitters, no conflicts (2 of 4 stars). 3 submissions from 3 submitters: Uncertain significance (3). Last evaluated 2026-06-01.

gnomAD v4.1: 5 of 1,614,044 alleles (0.00031%); highest among the groups gnomAD compares: Admixed American, 0.0067%; no homozygotes.

Submissions (3):

CeGaT Center for Human Genetics Tuebingen
Classification: Uncertain significance. Last evaluated: 2026-06-01. Review status: criteria provided, single submitter. Criteria: CeGaT Center For Human Genetics Tuebingen Variant Classification Criteria Version 2. Collection method: clinical testing. Allele origin: germline. Affected: yes. Observed: 1 variant allele.
Comment: WFS1: PM2, BP4

Labcorp Genetics (formerly Invitae), Labcorp
Classification: Uncertain significance. Last evaluated: 2025-09-06. Review status: criteria provided, single submitter. Criteria: Invitae Variant Classification Sherloc (09022015). Collection method: clinical testing. Allele origin: germline.
Comment: This sequence change replaces glutamic acid, which is acidic and polar, with glutamine, which is neutral and polar, at codon 593 of the WFS1 protein (p.Glu593Gln). This variant is present in population databases (rs750108272, gnomAD 0.009%). This variant has not been reported in the literature in individuals affected with WFS1-related conditions. Invitae Evidence Modeling of protein sequence and biophysical properties (such as structural, functional, and spatial information, amino acid conservation, physicochemical variation, residue mobility, and thermodynamic stability) indicates that this missense variant is not expected to disrupt WFS1 protein function with a negative predictive value of 80%. In summary, the available evidence is currently insufficient to determine the role of this variant in disease. Therefore, it has been classified as a Variant of Uncertain Significance.

Blueprint Genetics
Classification: Uncertain significance. Last evaluated: 2019-01-05. Review status: criteria provided, single submitter. Criteria: ACMG Guidelines, 2015. Collection method: clinical testing. Allele origin: germline.